The following is an entry in ClinVar:

NM_001283009.2(RTEL1):c.1951C>T (p.Arg651Cys)

Genes: RTEL1 (regulator of telomere elongation helicase 1; plus strand), RTEL1-TNFRSF6B (RTEL1-TNFRSF6B readthrough (NMD candidate); plus strand). Cytogenetic location: 20q13.33.
Variant type: single nucleotide variant.
Coding change: c.1951C>T on transcript NM_001283009.2 (MANE Select); coding-DNA position 1951, C replaced by T.
Protein change: p.Arg651Cys; replaces arginine 651 with cysteine.
Molecular consequence: missense variant. On other transcripts: non-coding transcript variant (1).
Genome position (GRCh38, 1-based): chr20:63,689,574, C>T. VCF-style: chr20-63689574-C-T. GRCh37 (hg19) VCF-style: chr20-62320927-C-T.
Other names: c.1282C>T, p.Arg428Cys (NM_001283010.1); c.1951C>T, p.Arg651Cys (NM_016434.4); c.2023C>T, p.Arg675Cys (NM_032957.5); short protein forms R651C, R675C, R428C.
Identifiers: ClinVar variation 662808 (VCV000662808.4), dbSNP rs765231471, ClinGen allele CA9965087.

ClinVar aggregate classification (germline): Uncertain significance. Review status: criteria provided, multiple submitters, no conflicts (2 of 4 stars). 2 submissions from 2 submitters: Uncertain significance (2). Last evaluated 2024-11-25.

Conditions:
Pulmonary fibrosis and/or bone marrow failure, Telomere-related, 3. Also called: PULMONARY FIBROSIS AND/OR BONE MARROW FAILURE SYNDROME, TELOMERE-RELATED, 3. Identifiers: Orphanet 2032, MedGen C4225346, MONDO:0014613, OMIM 616373.
Dyskeratosis congenita, autosomal recessive 5 (DKCB5). Identifiers: MedGen C3554656, MONDO:0014076, OMIM 615190.
Inborn genetic diseases. Identifiers: MedGen C0950123, MeSH D030342.

Allele frequency attached by ClinVar (database versions not stated): gnomAD exomes 0.00001; TOPMed 0.00001; ExAC 0.00002; gnomAD 0.00002.
gnomAD v4.1: 14 of 1,612,132 alleles (0.00087%); highest among the groups gnomAD compares: East Asian, 0.0022%; no homozygotes.

Submissions (2):

Ambry Genetics
Classification: Uncertain significance for Inborn genetic diseases. Last evaluated: 2024-11-25. Review status: criteria provided, single submitter. Criteria: Ambry Variant Classification Scheme 2023. Collection method: clinical testing. Allele origin: germline.
Comment: The p.R651C variant (also known as c.1951C>T), located in coding exon 22 of the RTEL1 gene, results from a C to T substitution at nucleotide position 1951. The arginine at codon 651 is replaced by cysteine, an amino acid with highly dissimilar properties. This amino acid position is conserved. In addition, the in silico prediction for this alteration is inconclusive. Based on the available evidence, the clinical significance of this variant remains unclear.

Labcorp Genetics (formerly Invitae), Labcorp
Classification: Uncertain significance for Dyskeratosis congenita, autosomal recessive 5; Pulmonary fibrosis and/or bone marrow failure, Telomere-related, 3. Last evaluated: 2021-08-20. Review status: criteria provided, single submitter. Criteria: Invitae Variant Classification Sherloc (09022015). Collection method: clinical testing. Allele origin: germline.
Comment: This sequence change replaces arginine with cysteine at codon 651 of the RTEL1 protein (p.Arg651Cys). The arginine residue is moderately conserved and there is a large physicochemical difference between arginine and cysteine. This variant is present in population databases (rs765231471, ExAC 0.003%). This variant has not been reported in the literature in individuals affected with RTEL1-related conditions. Algorithms developed to predict the effect of missense changes on protein structure and function (SIFT, PolyPhen-2, Align-GVGD) all suggest that this variant is likely to be tolerated. In summary, the available evidence is currently insufficient to determine the role of this variant in disease. Therefore, it has been classified as a Variant of Uncertain Significance.